The following is an entry in ClinVar:

NM_018026.4(PACS1):c.1741G>A (p.Glu581Lys)

Gene: PACS1 (phosphofurin acidic cluster sorting protein 1; plus strand). Cytogenetic location: 11q13.2.
Variant type: single nucleotide variant.
Coding change: c.1741G>A on transcript NM_018026.4 (MANE Select); coding-DNA position 1741, G replaced by A.
Protein change: p.Glu581Lys; replaces glutamic acid 581 with lysine.
Molecular consequence: missense variant.
Genome position (GRCh38, 1-based): chr11:66,232,969, G>A. VCF-style: chr11-66232969-G-A. GRCh37 (hg19) VCF-style: chr11-66000440-G-A.
Other names: short protein forms E581K.
Identifiers: ClinVar variation 3252127 (VCV003252127.1), dbSNP rs2495586344.
Genomic context (GRCh38, chr11:66,232,969, plus strand): 5'-GGAGTGATGTGTTCTCACCTGTGTCCCTGCTCTCCTCCCTCCCTATCCCAGTATGTGGCT[G>A]AGCTGCTCCAGGACCAGCGGAAGCCTGTGGTGTGCACCTGCTCCACCGTGGAGGTCCAGG-3'
Protein context (NP_060496.2, residues 571-591): TTDWQGQYVA[Glu581Lys]LLQDQRKPVV

ClinVar aggregate classification (germline): Uncertain significance (1 of 4 stars; one submission).

Submission:

GeneDx
Classification: Uncertain significance. Last evaluated: 2023-12-12. Review status: criteria provided, single submitter. Criteria: GeneDx Variant Classification Process June 2021. Collection method: clinical testing. Allele origin: germline. Affected: yes.
Comment: Not observed at significant frequency in large population cohorts (gnomAD); In silico analysis supports that this missense variant does not alter protein structure/function; Has not been previously published as pathogenic or benign to our knowledge